The following is an entry in ClinVar:

NM_000557.5(GDF5):c.1414A>G (p.Ser472Gly)

Genes: GDF5 (growth differentiation factor 5; minus strand), GDF5-AS1 (GDF5 antisense RNA 1; plus strand). Cytogenetic location: 20q11.22.
Variant type: single nucleotide variant.
Coding change: c.1414A>G on transcript NM_000557.5 (MANE Select); coding-DNA position 1414, A replaced by G.
Protein change: p.Ser472Gly; replaces serine 472 with glycine.
Molecular consequence: missense variant. On other transcripts: non-coding transcript variant (1).
Genome position (GRCh38, 1-based): chr20:35,434,001, T>C on the plus strand (A>G on the coding strand, the complement: GDF5 is on the minus strand). VCF-style: chr20-35434001-T-C. GRCh37 (hg19) VCF-style: chr20-34021799-T-C.
Other names: c.1414A>G, p.Ser472Gly (NM_001319138.2); short protein forms S472G.
Identifiers: ClinVar variation 4874641 (VCV004874641.2).

ClinVar aggregate classification (germline): Uncertain significance (1 of 4 stars; one submission).

Submission:

CeGaT Center for Human Genetics Tuebingen
Classification: Uncertain significance. Last evaluated: 2026-04-01. Review status: criteria provided, single submitter. Criteria: CeGaT Center For Human Genetics Tuebingen Variant Classification Criteria Version 2. Collection method: clinical testing. Allele origin: germline. Affected: yes. Observed: 1 variant allele.
Comment: GDF5: PM2, PP3